The following is an entry in ClinVar:

NM_014712.3(SETD1A):c.3387G>A (p.Ala1129=)

Gene: SETD1A (SET domain containing 1A, histone lysine methyltransferase; plus strand). Cytogenetic location: 16p11.2.
Variant type: single nucleotide variant.
Coding change: c.3387G>A on transcript NM_014712.3 (MANE Select); coding-DNA position 3387, G replaced by A.
Protein change: p.Ala1129=; no amino-acid change (alanine 1129 retained).
Molecular consequence: synonymous variant.
Genome position (GRCh38, 1-based): chr16:30,979,173, G>A. VCF-style: chr16-30979173-G-A. GRCh37 (hg19) VCF-style: chr16-30990494-G-A.
Identifiers: ClinVar variation 4822435 (VCV004822435.4).

ClinVar aggregate classification (germline): Likely benign (1 of 4 stars; one submission).

Submission:

CeGaT Center for Human Genetics Tuebingen
Classification: Likely benign. Last evaluated: 2026-03-01. Review status: criteria provided, single submitter. Criteria: CeGaT Center For Human Genetics Tuebingen Variant Classification Criteria Version 2. Collection method: clinical testing. Allele origin: germline. Affected: yes. Observed: 1 variant allele.
Comment: SETD1A: BP4, BP7